The following is an entry in ClinVar:

ClinVar aggregate classification (germline): Uncertain significance (1 of 4 stars; one submission).

Submission:

Labcorp Genetics (formerly Invitae), Labcorp
Classification: Uncertain significance. Last evaluated: 2022-03-19. Review status: criteria provided, single submitter. Criteria: Invitae Variant Classification Sherloc (09022015). Collection method: clinical testing. Allele origin: germline.
Comment: In summary, the available evidence is currently insufficient to determine the role of this variant in disease. Therefore, it has been classified as a Variant of Uncertain Significance. Algorithms developed to predict the effect of missense changes on protein structure and function are either unavailable or do not agree on the potential impact of this missense change (SIFT: "Deleterious"; PolyPhen-2: "Not Available"; Align-GVGD: "Class C0"). This variant has not been reported in the literature in individuals affected with PCLO-related conditions. This variant is not present in population databases (gnomAD no frequency). This sequence change replaces serine, which is neutral and polar, with phenylalanine, which is neutral and non-polar, at codon 2657 of the PCLO protein (p.Ser2657Phe).

NM_033026.6(PCLO):c.7970C>T (p.Ser2657Phe)

Gene: PCLO (piccolo presynaptic cytomatrix protein; minus strand). Cytogenetic location: 7q21.11.
Variant type: single nucleotide variant.
Coding change: c.7970C>T on transcript NM_033026.6 (MANE Select); coding-DNA position 7970, C replaced by T.
Protein change: p.Ser2657Phe; replaces serine 2657 with phenylalanine.
Molecular consequence: missense variant.
Genome position (GRCh38, 1-based): chr7:82,952,983, G>A on the plus strand (C>T on the coding strand, the complement: PCLO is on the minus strand). VCF-style: chr7-82952983-G-A. GRCh37 (hg19) VCF-style: chr7-82582299-G-A.
Other names: c.7970C>T, p.Ser2657Phe (NM_014510.3); short protein forms S2657F.
Identifiers: ClinVar variation 2114358 (VCV002114358.2), dbSNP rs2535692024, ClinGen allele CA367915058.